The following is an entry in ClinVar:

ClinVar aggregate classification (germline): Uncertain significance. Review status: criteria provided, multiple submitters, no conflicts (2 of 4 stars). 2 submissions from 2 submitters: Uncertain significance (2). Last evaluated 2024-02-28.

Conditions:
Growth hormone insensitivity with immune dysregulation 1, autosomal recessive. Also called: Laron syndrome with immunodeficiency; GROWTH HORMONE INSENSITIVITY DUE TO POSTRECEPTOR DEFECT; LARON SYNDROME DUE TO POSTRECEPTOR DEFECT; GROWTH HORMONE INSENSITIVITY SYNDROME WITH IMMUNE DYSREGULATION 1, AUTOSOMAL RECESSIVE. Identifiers: Orphanet 220465, MedGen C5435698, MONDO:0100211, OMIM 245590.
Inborn genetic diseases. Identifiers: MedGen C0950123, MeSH D030342.

Submissions (2):

Ambry Genetics
Classification: Uncertain significance for Inborn genetic diseases. Last evaluated: 2024-02-28. Review status: criteria provided, single submitter. Criteria: Ambry Variant Classification Scheme 2023. Collection method: clinical testing. Allele origin: germline.

Labcorp Genetics (formerly Invitae), Labcorp
Classification: Uncertain significance for Growth hormone insensitivity with immune dysregulation 1, autosomal recessive. Last evaluated: 2023-06-13. Review status: criteria provided, single submitter. Criteria: Invitae Variant Classification Sherloc (09022015). Collection method: clinical testing. Allele origin: germline.
Comment: This variant has not been reported in the literature in individuals affected with STAT5B-related conditions. In summary, the available evidence is currently insufficient to determine the role of this variant in disease. Therefore, it has been classified as a Variant of Uncertain Significance. Advanced modeling of protein sequence and biophysical properties (such as structural, functional, and spatial information, amino acid conservation, physicochemical variation, residue mobility, and thermodynamic stability) performed at Invitae indicates that this missense variant is not expected to disrupt STAT5B protein function. This variant is not present in population databases (gnomAD no frequency). This sequence change replaces glutamine, which is neutral and polar, with arginine, which is basic and polar, at codon 177 of the STAT5B protein (p.Gln177Arg).

NM_012448.4(STAT5B):c.530A>G (p.Gln177Arg)

Gene: STAT5B (signal transducer and activator of transcription 5B; minus strand). Cytogenetic location: 17q21.2.
Variant type: single nucleotide variant.
Coding change: c.530A>G on transcript NM_012448.4 (MANE Select); coding-DNA position 530, A replaced by G.
Protein change: p.Gln177Arg; replaces glutamine 177 with arginine.
Molecular consequence: missense variant.
Genome position (GRCh38, 1-based): chr17:42,223,402, T>C on the plus strand (A>G on the coding strand, the complement: STAT5B is on the minus strand). VCF-style: chr17-42223402-T-C. GRCh37 (hg19) VCF-style: chr17-40375420-T-C.
Other names: short protein forms Q177R.
Identifiers: ClinVar variation 3000349 (VCV003000349.4), dbSNP rs1555549674, ClinGen allele CA399588818.
Genomic context (GRCh38, chr17:42,223,402, plus strand): 5'-CAATCCTCAAGTTGCACAATGTGCCTCCACCGCGCCTCACCTTGGATCCTCAGGCTCTCC[T>C]GGTACTGGATGATGAAGTACTCCTGAGTCTGCTGCAGCTTTTTTAACTCATTCTCTGTGT-3'
Protein context (NP_036580.2, residues 167-187): QTQEYFIIQY[Gln177Arg]ESLRIQAQFG